The following is an entry in ClinVar:

NM_001079872.2(CUL4B):c.1143T>G (p.Ala381=)

Gene: CUL4B (cullin 4B; minus strand). Cytogenetic location: Xq24.
Variant type: single nucleotide variant.
Coding change: c.1143T>G on transcript NM_001079872.2 (MANE Select); coding-DNA position 1143, T replaced by G.
Protein change: p.Ala381=; no amino-acid change (alanine 381 retained).
Molecular consequence: synonymous variant.
Genome position (GRCh38, 1-based): chrX:120,544,144, A>C on the plus strand (T>G on the coding strand, the complement: CUL4B is on the minus strand). VCF-style: chrX-120544144-A-C. GRCh37 (hg19) VCF-style: chrX-119677999-A-C.
Other names: c.1158T>G, p.Ala386= (NM_001330624.2); c.609T>G, p.Ala203= (NM_001369145.1); c.1197T>G, p.Ala399= (NM_003588.4); c.1197T>G (NM_003588.3).
Identifiers: ClinVar variation 2894364 (VCV002894364.6), dbSNP rs199575215, ClinGen allele CA10505587.
Genomic context (GRCh38, chrX:120,544,144, plus strand): 5'-GAGAATTTATTAGTCATGATTTTTAAATACCTCTCTTTCTTGCATTAATTTTTGGCCTTC[A>C]GCTGCATAGAGCCGGTTAGTTTCTTCCAAAAATCGTTGTTCAAAAGAATCTTGATAAATC-3'
Protein context (NP_001073341.1, residues 371-391): FLEETNRLYA[Ala381=]EGQKLMQERE

ClinVar aggregate classification (germline): Benign/Likely benign. Review status: criteria provided, multiple submitters, no conflicts (2 of 4 stars). 3 submissions from 3 submitters: Benign (1); Likely benign (1). 1 of the submissions does not count toward it. Last evaluated 2024-10-17.

Conditions:
X-linked intellectual disability Cabezas type (MRXSC). Also called: CABEZAS SYNDROME; MENTAL RETARDATION, X-LINKED, SYNDROMIC 15; Intellectual developmental disorder, X-linked syndromic, Cabezas type. Identifiers: Orphanet 85289, Orphanet 85293, MedGen C1845861, MONDO:0010306, OMIM 300354.
CUL4B-related disorder. Also called: CUL4B-related condition.

Allele frequency attached by ClinVar (database versions not stated): TOPMed 0.00002; gnomAD 0.00004; ExAC 0.00005; gnomAD exomes 0.00013.
gnomAD v4.1: 141 of 1,202,790 alleles (0.012%); highest among the groups gnomAD compares: Non-Finnish European, 0.016%; no homozygotes.

Submissions (3):

Blueprint Genetics
Classification: Likely benign. Last evaluated: 2024-10-17. Review status: criteria provided, single submitter. Criteria: ACMG Guidelines, 2015. Collection method: clinical testing. Allele origin: germline.

Labcorp Genetics (formerly Invitae), Labcorp
Classification: Benign for X-linked intellectual disability Cabezas type. Last evaluated: 2022-11-23. Review status: criteria provided, single submitter. Criteria: Invitae Variant Classification Sherloc (09022015). Collection method: clinical testing. Allele origin: germline.

PreventionGenetics, part of Exact Sciences
Classification: Likely benign for CUL4B-related condition. Last evaluated: 2023-12-21. Review status: no assertion criteria provided. Collection method: clinical testing. Allele origin: germline. Not counted in ClinVar's aggregate classification.
Comment: This variant is classified as likely benign based on ACMG/AMP sequence variant interpretation guidelines (Richards et al. 2015 PMID: 25741868, with internal and published modifications).